The following is an entry in ClinVar:

NM_001267550.2(TTN):c.67496G>A (p.Arg22499Gln)

Genes: TTN (titin; minus strand), TTN-AS1 (TTN antisense RNA 1; plus strand), LOC126806423 (CDK7 strongly-dependent group 2 enhancer GRCh37_chr2:179443309-179444508; plus strand). Cytogenetic location: 2q31.2.
Variant type: single nucleotide variant.
Coding change: c.67496G>A on transcript NM_001267550.2 (MANE Select); coding-DNA position 67496, G replaced by A.
Protein change: p.Arg22499Gln; replaces arginine 22499 with glutamine.
Molecular consequence: missense variant.
Genome position (GRCh38, 1-based): chr2:178,579,701, C>T on the plus strand (G>A on the coding strand, the complement: TTN is on the minus strand). VCF-style: chr2-178579701-C-T. GRCh37 (hg19) VCF-style: chr2-179444428-C-T.
Other names: c.62573G>A, p.Arg20858Gln (NM_001256850.1); c.40301G>A, p.Arg13434Gln (NM_003319.4); c.59792G>A, p.Arg19931Gln (NM_133378.4); c.40676G>A, p.Arg13559Gln (NM_133432.3); c.40877G>A, p.Arg13626Gln (NM_133437.4); c.67496G>A (LRG_391t1); short protein forms R22499Q, R19931Q, R13434Q, R13626Q, R20858Q, R13559Q.
Identifiers: ClinVar variation 586893 (VCV000586893.6), dbSNP rs767993624, ClinGen allele CA1991299.
Genomic context (GRCh38, chr2:178,579,701, plus strand): 5'-TATTCCTTCCCTTCAGTCAAATCTTTTGCAGAGTACTGTAGGCTTAAGGATTTCATAACT[C>T]GTTGCCACTTATTTTCTTCAGTCAGGAAATCAACTACATATCCAATAATCCGACTTCCAC-3'
Protein context (NP_001254479.2, residues 22489-22509): DFLTEENKWQ[Arg22499Gln]VMKSLSLQYS

ClinVar aggregate classification (germline): Uncertain significance. Review status: criteria provided, multiple submitters, no conflicts (2 of 4 stars). 4 submissions from 4 submitters: Uncertain significance (4). Last evaluated 2023-10-10.

Conditions:
Cardiovascular phenotype. Identifiers: MedGen CN230736.
Autosomal recessive limb-girdle muscular dystrophy type 2J (LGMDR10). Also called: MUSCULAR DYSTROPHY, LIMB-GIRDLE, AUTOSOMAL RECESSIVE 10; Limb-girdle muscular dystrophy, type 2J. Identifiers: Orphanet 140922, MedGen C1837342, MONDO:0012127, OMIM 608807.
Hypertrophic cardiomyopathy 9. Also called: Familial hypertrophic cardiomyopathy 9. Identifiers: MedGen C1861065, MONDO:0013412, OMIM 613765.
Dilated cardiomyopathy 1G (CMD1G). Identifiers: Orphanet 154, MedGen C1858763, MONDO:0011400, OMIM 604145.
Tibial muscular dystrophy (TMD). Also called: Tibial muscular dystrophy, tardive; Udd Distal Myopathy – Tibial Muscular Dystrophy; UDD MYOPATHY. Identifiers: Orphanet 609, MedGen C1838244, MONDO:0010870, OMIM 600334.
Early-onset myopathy with fatal cardiomyopathy (CMYO5). Also called: CONGENITAL MYOPATHY 5 WITH CARDIOMYOPATHY; Salih Myopathy. Identifiers: Orphanet 289377, MedGen C2673677, MONDO:0012714, OMIM 611705. Disease mechanism: loss of function.
Myopathy, myofibrillar, 9, with early respiratory failure (MFM9). Also called: Myopathy, distal, with early respiratory failure, autosomal dominant; Hereditary myopathy with early respiratory failure; EDSTROM MYOPATHY; MYOPATHY, PROXIMAL, WITH EARLY RESPIRATORY MUSCLE INVOLVEMENT. Identifiers: Orphanet 178464, Orphanet 34521, MedGen C1863599, MONDO:0011362, OMIM 603689.

Allele frequency attached by ClinVar (database versions not stated): gnomAD exomes 0.00001 and 0.00004; gnomAD 0.00002; TOPMed 0.00002; ExAC 0.00005.
gnomAD v4.1: 20 of 1,613,088 alleles (0.0012%); highest among the groups gnomAD compares: Middle Eastern, 0.016%; no homozygotes.

Submissions (4):

Revvity Omics, Revvity
Classification: Uncertain significance. Last evaluated: 2023-10-10. Review status: criteria provided, single submitter. Criteria: ACMG Guidelines, 2015. Collection method: clinical testing. Allele origin: germline.

Fulgent Genetics
Classification: Uncertain significance for Tibial muscular dystrophy; Myopathy, myofibrillar, 9, with early respiratory failure; Dilated cardiomyopathy 1G; Autosomal recessive limb-girdle muscular dystrophy type 2J; Early-onset myopathy with fatal cardiomyopathy; Hypertrophic cardiomyopathy 9. Last evaluated: 2021-07-16. Review status: criteria provided, single submitter. Criteria: ACMG Guidelines, 2015. Collection method: clinical testing. Allele origin: unknown.

Ambry Genetics
Classification: Uncertain significance for Cardiovascular phenotype. Last evaluated: 2019-11-08. Review status: criteria provided, single submitter. Criteria: Ambry Variant Classification Scheme 2023. Collection method: clinical testing. Allele origin: germline.
Comment: The p.R13434Q variant (also known as c.40301G>A), located in coding exon 146 of the TTN gene, results from a G to A substitution at nucleotide position 40301. The arginine at codon 13434 is replaced by glutamine, an amino acid with highly similar properties. This amino acid position is not well conserved in available vertebrate species. In addition, this alteration is predicted to be tolerated by in silico analysis. Since supporting evidence is limited at this time, the clinical significance of this alteration remains unclear.

Athena Diagnostics
Classification: Uncertain significance. Last evaluated: 2017-09-06. Review status: criteria provided, single submitter. Criteria: Athena Diagnostics Criteria. Collection method: clinical testing. Allele origin: germline.